The following is an entry in ClinVar:

ClinVar aggregate classification (germline): Likely benign. Review status: criteria provided, multiple submitters, no conflicts (2 of 4 stars). 4 submissions from 4 submitters: Likely benign (4). Last evaluated 2025-06-09.

Conditions:
Cardiovascular phenotype. Identifiers: MedGen CN230736.
Long QT syndrome (LQTS). Identifiers: MedGen C0023976, MeSH D008133, MONDO:0002442. Disease mechanism: loss of function. Inheritance: Various modes of inheritance.

Allele frequency attached by ClinVar (database versions not stated): gnomAD exomes below 0.00001 and 0.00006; ExAC 0.00001; gnomAD 0.00002 and 0.00003; TOPMed 0.00002; ESP Exome Variant Server 0.00008.
gnomAD v4.1: 89 of 1,613,984 alleles (0.0055%); highest among the groups gnomAD compares: Non-Finnish European, 0.0075%; no homozygotes.

Submissions (4):

Labcorp Genetics (formerly Invitae), Labcorp
Classification: Likely benign for Long QT syndrome. Last evaluated: 2025-06-09. Review status: criteria provided, single submitter. Criteria: Invitae Variant Classification Sherloc (09022015). Collection method: clinical testing. Allele origin: germline.

CeGaT Center for Human Genetics Tuebingen
Classification: Likely benign. Last evaluated: 2022-08-01. Review status: criteria provided, single submitter. Criteria: CeGaT Center For Human Genetics Tuebingen Variant Classification Criteria Version 2. Collection method: clinical testing. Allele origin: germline. Affected: yes. Observed: 1 variant allele.
Comment: AKAP9: BP4, BP7

Blueprint Genetics
Classification: Likely benign. Last evaluated: 2020-04-01. Review status: criteria provided, single submitter. Criteria: ACMG Guidelines, 2015. Collection method: clinical testing. Allele origin: germline.

Ambry Genetics
Classification: Likely benign for Cardiovascular phenotype. Last evaluated: 2019-08-27. Review status: criteria provided, single submitter. Criteria: Ambry Variant Classification Scheme 2023. Collection method: clinical testing. Allele origin: germline.

NM_005751.5(AKAP9):c.10107T>C (p.Tyr3369=)

Gene: AKAP9 (A-kinase anchoring protein 9; plus strand). Cytogenetic location: 7q21.2.
Variant type: single nucleotide variant.
Coding change: c.10107T>C on transcript NM_005751.5 (MANE Select); coding-DNA position 10107, T replaced by C.
Protein change: p.Tyr3369=; no amino-acid change (tyrosine 3369 retained).
Molecular consequence: synonymous variant.
Genome position (GRCh38, 1-based): chr7:92,097,066, T>C. VCF-style: chr7-92097066-T-C. GRCh37 (hg19) VCF-style: chr7-91726380-T-C.
Other names: c.4752T>C, p.Tyr1584= (NM_001379277.1); c.10083T>C, p.Tyr3361= (NM_147185.3).
Identifiers: ClinVar variation 360846 (VCV000360846.40), dbSNP rs376961682, ClinGen allele CA4337895.